The following is an entry in ClinVar:

NM_000070.3(CAPN3):c.1745+2T>G

Gene: CAPN3 (calpain 3; plus strand). Cytogenetic location: 15q15.1.
Variant type: single nucleotide variant.
Coding change: c.1745+2T>G on transcript NM_000070.3 (MANE Select); the canonical splice donor site of the intron after coding-DNA position 1745, T replaced by G.
Molecular consequence: splice donor variant.
Genome position (GRCh38, 1-based): chr15:42,403,004, T>G. VCF-style: chr15-42403004-T-G. GRCh37 (hg19) VCF-style: chr15-42695202-T-G.
Other names: c.1745+2T>G (NM_024344.2); c.1601+2T>G (NM_173087.2); c.209+2T>G (NM_173088.2).
Identifiers: ClinVar variation 4816171 (VCV004816171.1).
Genomic context (GRCh38, chr15:42,403,004, plus strand): 5'-CCCCACCAGGAGGGGGAATTCATCCTCCGGGTCTTCTCTGAAAAGAGGAACCTCTCTGAG[T>G]GAGTGCTGGCCCAGCTTTCCCACGTGTTTCTAAAAGCTCACATGGCCCACTCCAGAGGTT-3'

ClinVar aggregate classification (germline): Pathogenic (1 of 4 stars; one submission).

Conditions:
Autosomal recessive limb-girdle muscular dystrophy type 2A (LGMDR1). Also called: Calpainopathy; LEYDEN-MOEBIUS MUSCULAR DYSTROPHY; MUSCULAR DYSTROPHY, PELVOFEMORAL; Muscular dystrophy, limb-girdle, type 2A, Amish; Limb-girdle muscular dystrophy, type 2A. Identifiers: Orphanet 267, MedGen C1869123, MONDO:0009675, OMIM 253600. Disease mechanism: loss of function.

gnomAD v4.1: 1 of 1,613,312 alleles (0.000062%); highest among the groups gnomAD compares: Non-Finnish European, 0.000085%; no homozygotes.

Submission:

Natera, Inc.
Classification: Pathogenic for Limb-girdle muscular dystrophy type 2A. Last evaluated: 2024-07-19. Review status: criteria provided, single submitter. Criteria: Natera Variant Classification Schema (03/2026). Collection method: clinical testing. Allele origin: germline.
Comment: The c.1745+2T>G variant in CAPN3 is a canonical splice donor site variant predicted to affect pre-mRNA splicing, which may result in an abnormal transcript and altered protein product. This variant is expected to result in nonsense mediated decay, truncation, or a dysfunctional protein product. This variant is rare in the general population with a frequency below the threshold expected for the associated phenotype(s). This variant has been observed in one or more individuals affected with the associated recessive disease, as either homozygous or compound heterozygous with a second variant (PMID: 33250842). Given the available evidence, this variant is classified as Pathogenic.

Literature cited by the submitters: PubMed 33250842.